The following is an entry in ClinVar:

ClinVar aggregate classification (germline): Uncertain significance (1 of 4 stars; one submission).

gnomAD v4.1: 12 of 1,608,378 alleles (0.00075%); highest among the groups gnomAD compares: Non-Finnish European, 0.001%; no homozygotes.

Submission:

Labcorp Genetics (formerly Invitae), Labcorp
Classification: Uncertain significance. Last evaluated: 2025-02-25. Review status: criteria provided, single submitter. Criteria: Invitae Variant Classification Sherloc (09022015). Collection method: clinical testing. Allele origin: germline.
Comment: This sequence change replaces aspartic acid, which is acidic and polar, with glycine, which is neutral and non-polar, at codon 156 of the ALPL protein (p.Asp156Gly). This variant is not present in population databases (gnomAD no frequency). This variant has not been reported in the literature in individuals affected with ALPL-related conditions. Invitae Evidence Modeling of protein sequence and biophysical properties (such as structural, functional, and spatial information, amino acid conservation, physicochemical variation, residue mobility, and thermodynamic stability) indicates that this missense variant is expected to disrupt ALPL protein function with a positive predictive value of 95%. In summary, the available evidence is currently insufficient to determine the role of this variant in disease. Therefore, it has been classified as a Variant of Uncertain Significance.

NM_000478.6(ALPL):c.467A>G (p.Asp156Gly)

Gene: ALPL (alkaline phosphatase, biomineralization associated; plus strand). Cytogenetic location: 1p36.12.
Variant type: single nucleotide variant.
Coding change: c.467A>G on transcript NM_000478.6 (MANE Select); coding-DNA position 467, A replaced by G.
Protein change: p.Asp156Gly; replaces aspartic acid 156 with glycine.
Molecular consequence: missense variant.
Genome position (GRCh38, 1-based): chr1:21,563,279, A>G. VCF-style: chr1-21563279-A-G. GRCh37 (hg19) VCF-style: chr1-21889772-A-G.
Other names: c.302A>G, p.Asp101Gly (NM_001127501.4); c.236A>G, p.Asp79Gly (NM_001177520.3); c.467A>G, p.Asp156Gly (NM_001369803.2, NM_001369804.2, NM_001369805.2); short protein forms D156G, D79G, D101G.
Identifiers: ClinVar variation 4694587 (VCV004694587.1).